The following is an entry in ClinVar:

NM_000090.4(COL3A1):c.3581G>A (p.Gly1194Asp)

Gene: COL3A1 (collagen type III alpha 1 chain; plus strand). Cytogenetic location: 2q32.2.
Variant type: single nucleotide variant.
Coding change: c.3581G>A on transcript NM_000090.4 (MANE Select); coding-DNA position 3581, G replaced by A.
Protein change: p.Gly1194Asp; replaces glycine 1194 with aspartic acid.
Molecular consequence: missense variant.
Genome position (GRCh38, 1-based): chr2:189,008,979, G>A. VCF-style: chr2-189008979-G-A. GRCh37 (hg19) VCF-style: chr2-189873705-G-A.
Other names: short protein forms G1194D.
Identifiers: ClinVar variation 459789 (VCV000459789.9), dbSNP rs1553509744, ClinGen allele CA349846675.

ClinVar aggregate classification (germline): Likely pathogenic (1 of 4 stars; one submission).

Conditions:
Ehlers-Danlos syndrome, type 4 (EDSVASC). Also called: Ehlers-Danlos syndrome vascular type; Ehlers Danlos syndrome, ecchymotic type; Ehlers Danlos syndrome, arterial type; Ehlers Danlos syndrome, Sack-Barabas type; Ehlers-Danlos Syndrome Type IV. Identifiers: Orphanet 286, MedGen C0268338, MONDO:0017314, OMIM 130050.

Allele frequency attached by ClinVar (database versions not stated): gnomAD exomes below 0.00001.
gnomAD v4.1: 1 of 1,614,204 alleles (0.000062%); highest among the groups gnomAD compares: South Asian, 0.0011%; no homozygotes.

Submission:

Labcorp Genetics (formerly Invitae), Labcorp
Classification: Likely pathogenic for Ehlers-Danlos syndrome, type 4. Last evaluated: 2018-02-01. Review status: criteria provided, single submitter. Criteria: Invitae Variant Classification Sherloc (09022015). Collection method: clinical testing. Allele origin: germline.
Comment: This sequence change replaces glycine with aspartic acid at codon 1194 of the COL3A1 protein (p.Gly1194Asp). The glycine residue is highly conserved and there is a moderate physicochemical difference between glycine and aspartic acid. This variant is not present in population databases (ExAC no frequency). This variant has not been reported in the literature in individuals with a COL3A1-related disease. Glycine residues within the Gly-Xaa-Yaa repeats of the triple helix domain are required for the structure and stability of fibrillar collagens (PMID: 7695699, 8218237, 19344236). In COL3A1, missense variants at these glycine residues are significantly enriched in individuals with disease (PMID: 24922459, 25758994) compared to the general population (ExAC). In summary, this variant is a novel missense change affecting a residue that is known to be critical for normal protein structure, stability and function. This type of missense change is also highly enriched in affected individuals and expected to be pathogenic. However, without additional functional and/or genetic data, this variant has been classified as Likely Pathogenic.

Literature cited by the submitters: PubMed 7695699; PubMed 8218237; PubMed 19344236; PubMed 24922459; PubMed 25758994.